The following is an entry in ClinVar:

ClinVar aggregate classification (germline): Uncertain significance (1 of 4 stars; one submission).

Submission:

GeneDx
Classification: Uncertain significance. Last evaluated: 2024-04-22. Review status: criteria provided, single submitter. Criteria: GeneDx Variant Classification Process June 2021. Collection method: clinical testing. Allele origin: germline. Affected: yes.
Comment: Has not been previously published as pathogenic or benign to our knowledge; Not observed at significant frequency in large population cohorts (gnomAD); Missense variant in a gene in which most reported pathogenic variants are truncating/loss of function

NM_001267550.2(TTN):c.4414C>A (p.Gln1472Lys)

Genes: TTN (titin; minus strand), LOC101927055 (uncharacterized LOC101927055; plus strand). Cytogenetic location: 2q31.2.
Variant type: single nucleotide variant.
Coding change: c.4414C>A on transcript NM_001267550.2 (MANE Select); coding-DNA position 4414, C replaced by A.
Protein change: p.Gln1472Lys; replaces glutamine 1472 with lysine.
Molecular consequence: missense variant. On other transcripts: non-coding transcript variant (1).
Genome position (GRCh38, 1-based): chr2:178,777,770, G>T on the plus strand (C>A on the coding strand, the complement: TTN is on the minus strand). VCF-style: chr2-178777770-G-T. GRCh37 (hg19) VCF-style: chr2-179642497-G-T.
Other names: c.4414C>A, p.Gln1472Lys (NM_001256850.1, NM_133378.4, NM_133379.5); c.4276C>A, p.Gln1426Lys (NM_003319.4, NM_133432.3, NM_133437.4); short protein forms Q1426K, Q1472K.
Identifiers: ClinVar variation 3372856 (VCV003372856.1).